The following is an entry in ClinVar:

NM_015506.3(MMACHC):c.48_49del (p.Cys17fs)

Gene: MMACHC (metabolism of cobalamin associated C; plus strand). Cytogenetic location: 1p34.1.
Variant type: Deletion.
Coding change: c.48_49del on transcript NM_015506.3 (MANE Select); coding-DNA positions 48 to 49, 2 bases deleted (AT; older notation c.48_49delAT).
Protein change: p.Cys17fs; shifts the reading frame from cysteine 17.
Molecular consequence: frameshift variant. On other transcripts: 5 prime UTR variant (1).
Genome position (GRCh38, 1-based): chr1:45,500,380-45,500,381, AT deleted; deleting any 2 consecutive bases within chr1:45,500,379-45,500,381 gives the same sequence; the c. name uses the placement nearest the transcript's 3' end. VCF-style (leftmost placement, unchanged base first): chr1-45500378-CTA-C. GRCh37 (hg19) VCF-style: chr1-45966050-CTA-C.
Other names: c.48_49delAT (NM_015506.2); c.-175_-174del (NM_001330540.2); short protein forms C17fs.
Identifiers: ClinVar variation 1076553 (VCV001076553.8), dbSNP rs765960386, ClinGen allele CA827610.

ClinVar aggregate classification (germline): Pathogenic/Likely pathogenic. Review status: criteria provided, multiple submitters, no conflicts (2 of 4 stars). 2 submissions from 2 submitters: Pathogenic (1); Likely pathogenic (1). Last evaluated 2024-03-14.

Conditions:
Cobalamin C disease. Also called: Methylmalonic aciduria with homocystinuria cblC type; Methylmalonic aciduria and homocystinuria, Vitamin B12-responsive; Vitamin B12 metabolic defect with combined deficiency of methylmalonyl-CoA mutase and homocysteine:methyltetrahydrofolate methyltransferase; methylmalonic aciduria and homocystinuria type cblC; Cobalamin-C methylmalonic acidemia and homocystinuria; Methylmalonic acidemia and homocystinuria cblC type. Identifiers: Orphanet 26, Orphanet 79282, MedGen C1848561, MONDO:0010184, OMIM 277400.

Submissions (2):

Natera, Inc.
Classification: Likely pathogenic for Methylmalonic aciduria and homocystinuria cblC type. Last evaluated: 2024-03-14. Review status: criteria provided, single submitter. Criteria: Natera Variant Classification Schema (03/2026). Collection method: clinical testing. Allele origin: germline.
Comment: The c.48_49delAT variant in MMACHC is a frameshift variant predicted to shift the reading frame beginning at codon 17 and leads to a stop codon 16 codons downstream. This variant is expected to result in nonsense mediated decay, truncation, or a dysfunctional protein product. This variant is rare in the general population with a frequency below the threshold expected for the associated phenotype(s). Given the available evidence, this variant is classified as Likely Pathogenic.

Labcorp Genetics (formerly Invitae), Labcorp
Classification: Pathogenic for Cobalamin C disease. Last evaluated: 2020-04-26. Review status: criteria provided, single submitter. Criteria: Invitae Variant Classification Sherloc (09022015). Collection method: clinical testing. Allele origin: germline.
Comment: This sequence change creates a premature translational stop signal (p.Cys17Serfs*16) in the MMACHC gene. It is expected to result in an absent or disrupted protein product. The frequency data for this variant in the population databases is considered unreliable, as metrics indicate poor data quality at this position in the ExAC database. This variant has not been reported in the literature in individuals with MMACHC-related conditions. Loss-of-function variants in MMACHC are known to be pathogenic (PMID: 16311595). For these reasons, this variant has been classified as Pathogenic.

Literature cited by the submitters: PubMed 16311595 (cited by Labcorp Genetics (formerly Invitae), Labcorp).